The following is an entry in ClinVar:

ClinVar aggregate classification (germline): Uncertain significance (1 of 4 stars; one submission).

Conditions:
Inborn genetic diseases. Identifiers: MedGen C0950123, MeSH D030342.

Submission:

Ambry Genetics
Classification: Uncertain significance for Inborn genetic diseases. Last evaluated: 2026-06-28. Review status: criteria provided, single submitter. Criteria: Ambry Variant Classification Scheme 2023. Collection method: clinical testing. Allele origin: germline.
Comment: The p.F368L variant (also known as c.1102T>C), located in coding exon 10 of the AKT1 gene, results from a T to C substitution at nucleotide position 1102. The phenylalanine at codon 368 is replaced by leucine, an amino acid with highly similar properties. This amino acid position is conserved. In addition, this alteration is predicted to be tolerated by in silico analysis. Based on the available evidence, the clinical significance of this variant remains unclear.

NM_001382430.1(AKT1):c.1102T>C (p.Phe368Leu)

Gene: AKT1 (AKT serine/threonine kinase 1; minus strand). Cytogenetic location: 14q32.33.
Variant type: single nucleotide variant.
Coding change: c.1102T>C on transcript NM_001382430.1 (MANE Select); coding-DNA position 1102, T replaced by C.
Protein change: p.Phe368Leu; replaces phenylalanine 368 with leucine.
Molecular consequence: missense variant.
Genome position (GRCh38, 1-based): chr14:104,772,948, A>G on the plus strand (T>C on the coding strand, the complement: AKT1 is on the minus strand). VCF-style: chr14-104772948-A-G. GRCh37 (hg19) VCF-style: chr14-105239285-A-G.
Other names: c.1102T>C, p.Phe368Leu (NM_001014431.2, NM_001014432.2, NM_001382431.1 and 3 more transcripts); short protein forms F368L.
Identifiers: ClinVar variation 5034343 (VCV005034343.1).